The following is an entry in ClinVar:

ClinVar aggregate classification (germline): Uncertain significance. Review status: criteria provided, multiple submitters, no conflicts (2 of 4 stars). 3 submissions from 3 submitters: Uncertain significance (3). Last evaluated 2026-06-12.

Conditions:
Inborn genetic diseases. Identifiers: MedGen C0950123, MeSH D030342.
Joubert syndrome. Also called: Familial aplasia of the vermis; JOUBERT-BOLTSHAUSER SYNDROME. Identifiers: Orphanet 475, MedGen C5979921, MONDO:0018772.

Allele frequency attached by ClinVar (database versions not stated): gnomAD 0.00001; ExAC 0.00002.
gnomAD v4.1: 7 of 1,613,536 alleles (0.00043%); highest among the groups gnomAD compares: Non-Finnish European, 0.00059%; no homozygotes.

Submissions (3):

Ambry Genetics
Classification: Uncertain significance for Inborn genetic diseases. Last evaluated: 2026-06-12. Review status: criteria provided, single submitter. Criteria: Ambry Variant Classification Scheme 2023. Collection method: clinical testing. Allele origin: germline.
Comment: The c.259A>G (p.M87V) alteration is located in exon 4 (coding exon 4) of the TMEM216 gene. This alteration results from a A to G substitution at nucleotide position 259, causing the methionine (M) at amino acid position 87 to be replaced by a valine (V). Based on data from gnomAD, the G allele has an overall frequency of 0.002% (5/249034) total alleles studied. The highest observed frequency was 0.004% (5/112806) of European (non-Finnish) alleles. Based on insufficient or conflicting evidence, the clinical significance of this alteration remains unclear.

Labcorp Genetics (formerly Invitae), Labcorp
Classification: Uncertain significance for Joubert syndrome. Last evaluated: 2024-02-24. Review status: criteria provided, single submitter. Criteria: Invitae Variant Classification Sherloc (09022015). Collection method: clinical testing. Allele origin: germline.
Comment: This sequence change replaces methionine, which is neutral and non-polar, with valine, which is neutral and non-polar, at codon 87 of the TMEM216 protein (p.Met87Val). This variant is present in population databases (rs767179925, gnomAD 0.004%). This variant has not been reported in the literature in individuals affected with TMEM216-related conditions. ClinVar contains an entry for this variant (Variation ID: 1969170). An algorithm developed to predict the effect of missense changes on protein structure and function (PolyPhen-2) suggests that this variant is likely to be tolerated. In summary, the available evidence is currently insufficient to determine the role of this variant in disease. Therefore, it has been classified as a Variant of Uncertain Significance.

Blueprint Genetics
Classification: Uncertain significance. Last evaluated: 2023-09-08. Review status: criteria provided, single submitter. Criteria: ACMG Guidelines, 2015. Collection method: clinical testing. Allele origin: germline.

NM_001173990.3(TMEM216):c.259A>G (p.Met87Val)

Gene: TMEM216 (transmembrane protein 216; plus strand). Cytogenetic location: 11q12.2.
Variant type: single nucleotide variant.
Coding change: c.259A>G on transcript NM_001173990.3 (MANE Select); coding-DNA position 259, A replaced by G.
Protein change: p.Met87Val; replaces methionine 87 with valine.
Molecular consequence: missense variant.
Genome position (GRCh38, 1-based): chr11:61,397,803, A>G. VCF-style: chr11-61397803-A-G. GRCh37 (hg19) VCF-style: chr11-61165275-A-G.
Other names: c.259A>G, p.Met87Val (NM_001173991.3); c.76A>G, p.Met26Val (NM_001330285.2, NM_016499.6); c.259A>G (NM_001173990.2); short protein forms M26V, M87V.
Identifiers: ClinVar variation 1969170 (VCV001969170.6), dbSNP rs767179925, ClinGen allele CA6034735.